The following is an entry in ClinVar:

NM_001289808.2(CRYAB):c.324+2T>A

Gene: CRYAB (crystallin alpha B; minus strand). Cytogenetic location: 11q23.1.
Variant type: single nucleotide variant.
Coding change: c.324+2T>A on transcript NM_001289808.2 (MANE Select); the canonical splice donor site of the intron after coding-DNA position 324, T replaced by A.
Molecular consequence: splice donor variant.
Genome position (GRCh38, 1-based): chr11:111,910,325, A>T on the plus strand (T>A on the coding strand, the complement: CRYAB is on the minus strand). VCF-style: chr11-111910325-A-T. GRCh37 (hg19) VCF-style: chr11-111781049-A-T.
Other names: c.324+2T>A (NM_001368245.1, NM_001885.3, NM_001289807.1); c.123+2T>A (NM_001368246.1, NM_001330379.1).
Identifiers: ClinVar variation 4613942 (VCV004613942.1).

ClinVar aggregate classification (germline): Uncertain significance (1 of 4 stars; one submission).

Conditions:
Cardiovascular phenotype. Identifiers: MedGen CN230736.

Submission:

Ambry Genetics
Classification: Uncertain significance for Cardiovascular phenotype. Last evaluated: 2025-10-30. Review status: criteria provided, single submitter. Criteria: Ambry Variant Classification Scheme 2023. Collection method: clinical testing. Allele origin: germline.
Comment: The c.324+2T>A intronic variant results from a T to A substitution two nucleotides after coding exon 2 in the CRYAB gene. This nucleotide position is highly conserved in available vertebrate species. In silico splice site analysis predicts that this alteration will weaken the native splice donor site and will result in the creation or strengthening of a novel splice donor site. Alterations that disrupt the canonical splice site are expected to cause aberrant splicing, resulting in an abnormal protein or a transcript that is subject to nonsense-mediated mRNA decay. However, loss of function has not been established as a mechanism of disease. Based on the available evidence, the clinical significance of this alteration remains unclear.